The following is an entry in ClinVar:

ClinVar aggregate classification (germline): Uncertain significance (1 of 4 stars; one submission).

Conditions:
Joubert syndrome. Also called: Familial aplasia of the vermis; CEREBELLOPARENCHYMAL DISORDER IV; JOUBERT-BOLTSHAUSER SYNDROME. Identifiers: Orphanet 475, MedGen C5979921, MONDO:0018772.

Allele frequency attached by ClinVar (database versions not stated): gnomAD exomes below 0.00001.

Submission:

Labcorp Genetics (formerly Invitae), Labcorp
Classification: Uncertain significance for Joubert syndrome. Last evaluated: 2021-09-01. Review status: criteria provided, single submitter. Criteria: Invitae Variant Classification Sherloc (09022015). Collection method: clinical testing. Allele origin: germline.
Comment: This sequence change replaces asparagine with serine at codon 174 of the AHI1 protein (p.Asn174Ser). The asparagine residue is weakly conserved and there is a small physicochemical difference between asparagine and serine. This variant is not present in population databases (ExAC no frequency). This variant has not been reported in the literature in individuals affected with AHI1-related conditions. Advanced modeling of protein sequence and biophysical properties (such as structural, functional, and spatial information, amino acid conservation, physicochemical variation, residue mobility, and thermodynamic stability) performed at Invitae indicates that this missense variant is not expected to disrupt AHI1 protein function. Algorithms developed to predict the effect of sequence changes on RNA splicing suggest that this variant may create or strengthen a splice site. In summary, the available evidence is currently insufficient to determine the role of this variant in disease. Therefore, it has been classified as a Variant of Uncertain Significance.

NM_001134831.2(AHI1):c.521A>G (p.Asn174Ser)

Gene: AHI1 (Abelson helper integration site 1; minus strand). Cytogenetic location: 6q23.3.
Variant type: single nucleotide variant.
Coding change: c.521A>G on transcript NM_001134831.2 (MANE Select); coding-DNA position 521, A replaced by G.
Protein change: p.Asn174Ser; replaces asparagine 174 with serine.
Molecular consequence: missense variant.
Genome position (GRCh38, 1-based): chr6:135,466,042, T>C on the plus strand (A>G on the coding strand, the complement: AHI1 is on the minus strand). VCF-style: chr6-135466042-T-C. GRCh37 (hg19) VCF-style: chr6-135787180-T-C.
Other names: c.521A>G, p.Asn174Ser (NM_001134830.2, NM_001134832.2, NM_001350503.2 and 2 more transcripts); short protein forms N174S.
Identifiers: ClinVar variation 1004470 (VCV001004470.6), dbSNP rs1790693034, ClinGen allele CA365751483.